The following is an entry in ClinVar:

NM_001164665.2(KIAA1549):c.5764C>A (p.His1922Asn)

Gene: KIAA1549 (KIAA1549; minus strand). Cytogenetic location: 7q34.
Variant type: single nucleotide variant.
Coding change: c.5764C>A on transcript NM_001164665.2 (MANE Select); coding-DNA position 5764, C replaced by A.
Protein change: p.His1922Asn; replaces histidine 1922 with asparagine.
Molecular consequence: missense variant.
Genome position (GRCh38, 1-based): chr7:138,837,995, G>T on the plus strand (C>A on the coding strand, the complement: KIAA1549 is on the minus strand). VCF-style: chr7-138837995-G-T. GRCh37 (hg19) VCF-style: chr7-138522740-G-T.
Other names: c.5716C>A, p.His1906Asn (NM_020910.3); c.5764C>A (NM_001164665.1); short protein forms H1922N, H1906N.
Identifiers: ClinVar variation 2816638 (VCV002816638.4), dbSNP rs1809788670, ClinGen allele CA369383441.

ClinVar aggregate classification (germline): Uncertain significance. Review status: criteria provided, multiple submitters, no conflicts (2 of 4 stars). 2 submissions from 2 submitters: Uncertain significance (2). Last evaluated 2025-01-01.

Conditions:
Inborn genetic diseases. Identifiers: MedGen C0950123, MeSH D030342.

Allele frequency attached by ClinVar (database versions not stated): gnomAD 0.00001; TOPMed 0.00001.
gnomAD v4.1: 2 of 1,612,950 alleles (0.00012%); highest among the groups gnomAD compares: African/African-American, 0.0027%; no homozygotes.

Submissions (2):

Ambry Genetics
Classification: Uncertain significance for Inborn genetic diseases. Last evaluated: 2025-01-01. Review status: criteria provided, single submitter. Criteria: Ambry Variant Classification Scheme 2023. Collection method: clinical testing. Allele origin: germline.

Labcorp Genetics (formerly Invitae), Labcorp
Classification: Uncertain significance. Last evaluated: 2022-11-25. Review status: criteria provided, single submitter. Criteria: Invitae Variant Classification Sherloc (09022015). Collection method: clinical testing. Allele origin: germline.
Comment: This sequence change replaces histidine, which is basic and polar, with asparagine, which is neutral and polar, at codon 1922 of the KIAA1549 protein (p.His1922Asn). This variant is not present in population databases (gnomAD no frequency). This variant has not been reported in the literature in individuals affected with KIAA1549-related conditions. Algorithms developed to predict the effect of missense changes on protein structure and function are either unavailable or do not agree on the potential impact of this missense change (SIFT: "Deleterious"; PolyPhen-2: "Probably Damaging"; Align-GVGD: "Class C0"). In summary, the available evidence is currently insufficient to determine the role of this variant in disease. Therefore, it has been classified as a Variant of Uncertain Significance.